The following is an entry in ClinVar:

ClinVar aggregate classification (germline): Pathogenic (1 of 4 stars; one submission).

Conditions:
Fanconi anemia complementation group J. Also called: BRIP1-Related Fanconi Anemia. Identifiers: Orphanet 84, MedGen C1836860, MONDO:0012187, OMIM 609054.
Familial cancer of breast. Also called: BREAST CANCER, FAMILIAL; Hereditary breast cancer; hereditary breast carcinoma. Identifiers: Orphanet 227535, MedGen C0346153, MONDO:0016419, OMIM 114480. Disease mechanism: loss of function.

Submission:

Labcorp Genetics (formerly Invitae), Labcorp
Classification: Pathogenic for Familial cancer of breast; Fanconi anemia complementation group J. Last evaluated: 2024-12-31. Review status: criteria provided, single submitter. Criteria: Invitae Variant Classification Sherloc (09022015). Collection method: clinical testing. Allele origin: germline.
Comment: This sequence change creates a premature translational stop signal (p.Tyr19Ilefs*10) in the BRIP1 gene. It is expected to result in an absent or disrupted protein product. Loss-of-function variants in BRIP1 are known to be pathogenic (PMID: 16116423, 17033622, 21964575). This variant is not present in population databases (gnomAD no frequency). This variant has not been reported in the literature in individuals affected with BRIP1-related conditions. Algorithms developed to predict the effect of sequence changes on RNA splicing suggest that this variant may disrupt the consensus splice site. For these reasons, this variant has been classified as Pathogenic.

Literature cited by the submitters: PubMed 16116423; PubMed 17033622; PubMed 21964575.

NM_032043.3(BRIP1):c.55del (p.Tyr19fs)

Gene: BRIP1 (BRCA1 interacting DNA helicase 1; minus strand). Cytogenetic location: 17q23.2.
Variant type: Deletion.
Coding change: c.55del on transcript NM_032043.3 (MANE Select); coding-DNA position 55, one base deleted (T; older notation c.55delT).
Protein change: p.Tyr19fs; shifts the reading frame from tyrosine 19.
Molecular consequence: frameshift variant.
Genome position (GRCh38, 1-based): chr17:61,861,485, A deleted on the plus strand (T on the coding strand, the reverse complement: BRIP1 is on the minus strand); the first of 2 consecutive A bases (chr17:61,861,485-61,861,486); deleting either gives the same sequence. VCF-style (leftmost placement, unchanged base first): chr17-61861484-TA-T. GRCh37 (hg19) VCF-style: chr17-59938845-TA-T.
Other names: short protein forms Y19fs.
Identifiers: ClinVar variation 3760219 (VCV003760219.2).